The following is an entry in ClinVar:

NM_153240.4(NPHP3):c.-55C>T

Genes: NPHP3 (nephrocystin 3; minus strand), NPHP3-ACAD11 (NPHP3-ACAD11 readthrough (NMD candidate); minus strand), NPHP3-AS1 (NPHP3 antisense RNA 1; plus strand). Cytogenetic location: 3q22.1.
Variant type: single nucleotide variant.
Coding change: c.-55C>T on transcript NM_153240.4; 55 bases upstream of the start codon, C replaced by T.
Molecular consequence: non-coding transcript variant (on NR_037804.1).
Genome position (GRCh38, 1-based): chr3:132,722,410, G>A on the plus strand (C>T on the coding strand, the complement: NPHP3 is on the minus strand). VCF-style: chr3-132722410-G-A. GRCh37 (hg19) VCF-style: chr3-132441254-G-A.
Identifiers: ClinVar variation 4992440 (VCV004992440.1).

ClinVar aggregate classification (germline): Likely benign (1 of 4 stars; one submission).

Conditions:
NPHP3-related disorder. Also called: NPHP3-related disorders; NPHP3-related condition. Identifiers: MedGen CN379163.

Submission:

PreventionGenetics, part of Exact Sciences
Classification: Likely benign for NPHP3-related condition. Last evaluated: 2025-11-12. Review status: criteria provided, single submitter. Criteria: ACMG Guidelines, 2015. Collection method: clinical testing. Allele origin: germline.
Comment: This variant is classified as likely benign based on ACMG/AMP sequence variant interpretation guidelines (Richards et al. 2015 PMID: 25741868, with internal and published modifications).